The following is an entry in ClinVar:

ClinVar aggregate classification (germline): Uncertain significance. Review status: criteria provided, multiple submitters, no conflicts (2 of 4 stars). 2 submissions from 2 submitters: Uncertain significance (2). Last evaluated 2024-04-03.

Conditions:
Developmental and epileptic encephalopathy, 14 (DEE14). Also called: Early infantile epileptic encephalopathy 14. Identifiers: Orphanet 293181, MedGen C3554195, MONDO:0013989, OMIM 614959.
Autosomal dominant nocturnal frontal lobe epilepsy 5. Also called: KCNT1-Related Epilepsy; CILIARY DYSKINESIA, PRIMARY, 28, WITHOUT SITUS INVERSUS; CILIARY DYSKINESIA, PRIMARY, 28, WITH SITUS INVERSUS; Epilepsy, nocturnal frontal lobe, 5. Identifiers: Orphanet 98784, MedGen C3554306, MONDO:0014002, OMIM 615005.

Allele frequency attached by ClinVar (database versions not stated): gnomAD exomes below 0.00001; TOPMed below 0.00001.
gnomAD v4.1: 1 of 1,611,086 alleles (0.000062%); highest among the groups gnomAD compares: Non-Finnish European, 0.000085%; no homozygotes.

Submissions (2):

Blueprint Genetics
Classification: Uncertain significance. Last evaluated: 2024-04-03. Review status: criteria provided, single submitter. Criteria: ACMG Guidelines, 2015. Collection method: clinical testing. Allele origin: germline.

Labcorp Genetics (formerly Invitae), Labcorp
Classification: Uncertain significance for Autosomal dominant nocturnal frontal lobe epilepsy 5; Developmental and epileptic encephalopathy, 14. Last evaluated: 2022-05-05. Review status: criteria provided, single submitter. Criteria: Invitae Variant Classification Sherloc (09022015). Collection method: clinical testing. Allele origin: germline.
Comment: In summary, the available evidence is currently insufficient to determine the role of this variant in disease. Therefore, it has been classified as a Variant of Uncertain Significance. Advanced modeling of protein sequence and biophysical properties (such as structural, functional, and spatial information, amino acid conservation, physicochemical variation, residue mobility, and thermodynamic stability) performed at Invitae indicates that this missense variant is expected to disrupt KCNT1 protein function. This variant has not been reported in the literature in individuals affected with KCNT1-related conditions. This variant is not present in population databases (gnomAD no frequency). This sequence change replaces cysteine, which is neutral and slightly polar, with tyrosine, which is neutral and polar, at codon 1008 of the KCNT1 protein (p.Cys1008Tyr).

NM_020822.3(KCNT1):c.3023G>A (p.Cys1008Tyr)

Gene: KCNT1 (potassium sodium-activated channel subfamily T member 1; plus strand). Cytogenetic location: 9q34.3.
Variant type: single nucleotide variant.
Coding change: c.3023G>A on transcript NM_020822.3 (MANE Select); coding-DNA position 3023, G replaced by A.
Protein change: p.Cys1008Tyr; replaces cysteine 1008 with tyrosine.
Molecular consequence: missense variant.
Genome position (GRCh38, 1-based): chr9:135,784,614, G>A. VCF-style: chr9-135784614-G-A. GRCh37 (hg19) VCF-style: chr9-138676460-G-A.
Other names: c.2888G>A, p.Cys963Tyr (NM_001272003.2); short protein forms C963Y, C1008Y.
Identifiers: ClinVar variation 2072577 (VCV002072577.5), dbSNP rs760012681, ClinGen allele CA201483699.